The following is an entry in ClinVar:

NM_007254.4(PNKP):c.216A>C (p.Ser72=)

Gene: PNKP (polynucleotide kinase 3'-phosphatase; minus strand). Cytogenetic location: 19q13.33.
Variant type: single nucleotide variant.
Coding change: c.216A>C on transcript NM_007254.4 (MANE Select); coding-DNA position 216, A replaced by C.
Protein change: p.Ser72=; no amino-acid change (serine 72 retained).
Molecular consequence: synonymous variant.
Genome position (GRCh38, 1-based): chr19:49,865,409, T>G on the plus strand (A>C on the coding strand, the complement: PNKP is on the minus strand). VCF-style: chr19-49865409-T-G. GRCh37 (hg19) VCF-style: chr19-50368666-T-G.
Identifiers: ClinVar variation 2672786 (VCV002672786.23), dbSNP rs2514641427, ClinGen allele CA508297113.
Genomic context (GRCh38, chr19:49,865,409, plus strand): 5'-TGTGTCCCCCACCCCCAGAGAGCCCTCCAACCCCGGCTTCAACTCCTGGGTCCCGGTAGT[T>G]GAGGGGTTAACTCCCAGCTGCAGAAAGAGAGGGAGGAGCTGGGACTGGCTCCGCCCCCAC-3'
Protein context (NP_009185.2, residues 62-82): VAVKQLGVNP[Ser72=]TTGTQELKPG

ClinVar aggregate classification (germline): Likely benign (1 of 4 stars; one submission).

Submission:

CeGaT Center for Human Genetics Tuebingen
Classification: Likely benign. Last evaluated: 2023-11-01. Review status: criteria provided, single submitter. Criteria: CeGaT Center For Human Genetics Tuebingen Variant Classification Criteria Version 2. Collection method: clinical testing. Allele origin: germline. Affected: yes. Observed: 1 variant allele.
Comment: PNKP: PM2:Supporting, BP4, BP7